The following is an entry in ClinVar:

ClinVar aggregate classification (germline): Uncertain significance (1 of 4 stars; one submission).

Submission:

Labcorp Genetics (formerly Invitae), Labcorp
Classification: Uncertain significance. Last evaluated: 2021-06-19. Review status: criteria provided, single submitter. Criteria: Invitae Variant Classification Sherloc (09022015). Collection method: clinical testing. Allele origin: germline.
Comment: In summary, the available evidence is currently insufficient to determine the role of this variant in disease. Therefore, it has been classified as a Variant of Uncertain Significance. Algorithms developed to predict the effect of missense changes on protein structure and function (SIFT, PolyPhen-2, Align-GVGD) all suggest that this variant is likely to be tolerated, but these predictions have not been confirmed by published functional studies and their clinical significance is uncertain. This variant has not been reported in the literature in individuals with BACH2-related conditions. This variant is not present in population databases (ExAC no frequency). This sequence change replaces proline with serine at codon 7 of the BACH2 protein (p.Pro7Ser). The proline residue is moderately conserved and there is a moderate physicochemical difference between proline and serine.

NM_021813.4(BACH2):c.19C>T (p.Pro7Ser)

Gene: BACH2 (BACH transcriptional regulator 2; minus strand). Cytogenetic location: 6q15.
Variant type: single nucleotide variant.
Coding change: c.19C>T on transcript NM_021813.4 (MANE Select); coding-DNA position 19, C replaced by T.
Protein change: p.Pro7Ser; replaces proline 7 with serine.
Molecular consequence: missense variant.
Genome position (GRCh38, 1-based): chr6:90,008,826, G>A on the plus strand (C>T on the coding strand, the complement: BACH2 is on the minus strand). VCF-style: chr6-90008826-G-A. GRCh37 (hg19) VCF-style: chr6-90718545-G-A.
Other names: c.19C>T, p.Pro7Ser (NM_001170794.2); short protein forms P7S.
Identifiers: ClinVar variation 1362464 (VCV001362464.8), dbSNP rs2127780699, ClinGen allele CA365069704.